The following is an entry in ClinVar:

ClinVar aggregate classification (germline): Pathogenic/Likely pathogenic. Review status: criteria provided, multiple submitters, no conflicts (2 of 4 stars). 9 submissions from 9 submitters: Pathogenic (7); Likely pathogenic (2). Last evaluated 2025-10-07.

Conditions:
Acute lymphoid leukemia (ALL). Also called: Acute lymphocytic leukemia; Leukemia, acute lymphoblastic, somatic; Lymphoblastic leukemia; Acute lymphoblastic leukemia. Identifiers: Orphanet 513, MedGen C0023449, MONDO:0004967, OMIM 613065, HP:0006721.
Aplastic anemia. Identifiers: Orphanet 182040, Orphanet 88, MedGen C0002874, MONDO:0015909, OMIM 609135, HP:0001915.
Microcephaly, normal intelligence and immunodeficiency (NBS). Also called: Immunodeficiency, microcephaly with normal intelligence; BERLIN BREAKAGE SYNDROME; SEEMANOVA SYNDROME II; Ataxia telangiectasia variant V1; Nijmegen breakage syndrome; Microcephaly with normal intelligence immunodeficiency and lymphoreticular malignancies. Identifiers: Orphanet 647, MedGen C0398791, MONDO:0009623, OMIM 251260.
Hereditary cancer-predisposing syndrome. Also called: Neoplastic Syndromes, Hereditary; Hereditary Cancer Syndrome; Tumor predisposition; Hereditary neoplastic syndrome. Identifiers: Orphanet 140162, MedGen C0027672, MeSH D009386, MONDO:0015356.

Submissions (9):

Labcorp Genetics (formerly Invitae), Labcorp
Classification: Pathogenic for Microcephaly, normal intelligence and immunodeficiency. Last evaluated: 2025-10-07. Review status: criteria provided, single submitter. Criteria: Invitae Variant Classification Sherloc (09022015). Collection method: clinical testing. Allele origin: germline.
Comment: This sequence change creates a premature translational stop signal (p.Arg551Lysfs*5) in the NBN gene. It is expected to result in an absent or disrupted protein product. Loss-of-function variants in NBN are known to be pathogenic (PMID: 9590180, 16415040). This variant is present in population databases (rs766044684, gnomAD 0.002%). This variant has not been reported in the literature in individuals affected with NBN-related conditions. ClinVar contains an entry for this variant (Variation ID: 234246). For these reasons, this variant has been classified as Pathogenic.

Natera, Inc.
Classification: Likely pathogenic for Nijmegen breakage syndrome. Last evaluated: 2024-12-10. Review status: criteria provided, single submitter. Criteria: Natera Variant Classification Schema (03/2026). Collection method: clinical testing. Allele origin: germline.
Comment: The c.1651dupA variant in NBN is a frameshift variant predicted to shift the reading frame beginning at codon 551 and leads to a stop codon 5 codons downstream. This variant is expected to result in nonsense mediated decay, truncation, or a dysfunctional protein product. This variant is rare in the general population with a frequency below the threshold expected for the associated phenotype(s). Given the available evidence, this variant is classified as Likely Pathogenic.

Fulgent Genetics
Classification: Likely pathogenic for Microcephaly, normal intelligence and immunodeficiency; Aplastic anemia; Acute lymphoid leukemia. Last evaluated: 2024-06-17. Review status: criteria provided, single submitter. Criteria: ACMG Guidelines, 2015. Collection method: clinical testing. Allele origin: germline.

Baylor Genetics
Classification: Pathogenic for Aplastic anemia. Last evaluated: 2024-02-26. Review status: criteria provided, single submitter. Criteria: ACMG Guidelines, 2015. Collection method: clinical testing. Allele origin: unknown.

CeGaT Center for Human Genetics Tuebingen
Classification: Pathogenic. Last evaluated: 2022-06-01. Review status: criteria provided, single submitter. Criteria: CeGaT Center For Human Genetics Tuebingen Variant Classification Criteria Version 2. Collection method: clinical testing. Allele origin: germline. Affected: yes. Observed: 1 variant allele.
Comment: NBN: PVS1, PM2

Ambry Genetics
Classification: Pathogenic for Hereditary cancer-predisposing syndrome. Last evaluated: 2022-03-03. Review status: criteria provided, single submitter. Criteria: Ambry Variant Classification Scheme 2023. Collection method: clinical testing. Allele origin: germline.
Comment: The c.1651dupA pathogenic mutation, located in coding exon 11 of the NBN gene, results from a duplication of A at nucleotide position 1651, causing a translational frameshift with a predicted alternate stop codon (p.R551Kfs*5). This alteration is expected to result in loss of function by premature protein truncation or nonsense-mediated mRNA decay. As such, this alteration is interpreted as a disease-causing mutation.

Genome-Nilou Lab
Classification: Pathogenic for Microcephaly, normal intelligence and immunodeficiency. Last evaluated: 2021-11-07. Review status: criteria provided, single submitter. Criteria: ACMG Guidelines, 2015. Collection method: clinical testing. Allele origin: germline. Affected: no.

Revvity Omics, Revvity
Classification: Pathogenic. Last evaluated: 2019-06-11. Review status: criteria provided, single submitter. Criteria: ACMG Guidelines, 2015. Collection method: clinical testing. Allele origin: germline.

Quest Diagnostics Nichols Institute San Juan Capistrano
Classification: Pathogenic. Last evaluated: 2019-05-17. Review status: criteria provided, single submitter. Criteria: Quest Diagnostics criteria. Collection method: clinical testing. Allele origin: germline.
Comment: The variant results in a shift of the reading frame, and is therefore predicted to result in the loss of a functional protein. Found in at least one symptomatic patient, and found in general population data that is consistent with pathogenicity.

Literature cited by the submitters: PubMed 9590180 (cited by Labcorp Genetics (formerly Invitae), Labcorp); PubMed 16415040 (cited by Labcorp Genetics (formerly Invitae), Labcorp); PubMed 29522266 (cited by Quest Diagnostics Nichols Institute San Juan Capistrano); PubMed 28888541 (cited by Quest Diagnostics Nichols Institute San Juan Capistrano).

NM_002485.5(NBN):c.1651dup (p.Arg551fs)

Gene: NBN (nibrin; minus strand). Cytogenetic location: 8q21.3.
Variant type: Duplication.
Coding change: c.1651dup on transcript NM_002485.5 (MANE Select); coding-DNA position 1651, one base duplicated (A; older notation c.1651dupA).
Protein change: p.Arg551fs; shifts the reading frame from arginine 551.
Molecular consequence: frameshift variant.
Genome position (GRCh38, 1-based): chr8:89,953,438, T duplicated on the plus strand (A on the coding strand, the reverse complement: NBN is on the minus strand); the first of 7 consecutive T bases (chr8:89,953,438-89,953,444); duplicating any one gives the same sequence. VCF-style (leftmost placement, unchanged base first): chr8-89953437-C-CT. GRCh37 (hg19) VCF-style: chr8-90965665-C-CT.
Other names: c.1405dup, p.Arg469fs (NM_001024688.3); c.1651dupA (NM_002485.4); short protein forms R551fs, R469fs.
Identifiers: ClinVar variation 234246 (VCV000234246.58), dbSNP rs766044684, ClinGen allele CA4802695.